The following is an entry in ClinVar:

ClinVar aggregate classification (germline): Uncertain significance (1 of 4 stars; one submission).

gnomAD v4.1: 6 of 1,613,420 alleles (0.00037%); highest among the groups gnomAD compares: African/African-American, 0.0013%; no homozygotes.

Submission:

Labcorp Genetics (formerly Invitae), Labcorp
Classification: Uncertain significance. Last evaluated: 2026-01-27. Review status: criteria provided, single submitter. Criteria: Invitae Variant Classification Sherloc (09022015). Collection method: clinical testing. Allele origin: germline.
Comment: This sequence change replaces glycine, which is neutral and non-polar, with serine, which is neutral and polar, at codon 404 of the CREB3L3 protein (p.Gly404Ser). This variant is present in population databases (no rsID available, gnomAD 0.01%). This missense change has been observed in individual(s) with hypertriglyceridemia (internal data). An algorithm developed to predict the effect of missense changes on protein structure and function (PolyPhen-2) suggests that this variant is likely to be tolerated. In summary, the available evidence is currently insufficient to determine the role of this variant in disease. Therefore, it has been classified as a Variant of Uncertain Significance.

NM_032607.3(CREB3L3):c.1210G>A (p.Gly404Ser)

Genes: CREB3L3 (cAMP responsive element binding protein 3 like 3; plus strand), LOC125371455 (Sharpr-MPRA regulatory region 11650; plus strand). Cytogenetic location: 19p13.3.
Variant type: single nucleotide variant.
Coding change: c.1210G>A on transcript NM_032607.3 (MANE Select); coding-DNA position 1210, G replaced by A.
Protein change: p.Gly404Ser; replaces glycine 404 with serine.
Molecular consequence: missense variant. On other transcripts: 3 prime UTR variant (1).
Genome position (GRCh38, 1-based): chr19:4,171,793, G>A. VCF-style: chr19-4171793-G-A. GRCh37 (hg19) VCF-style: chr19-4171790-G-A.
Other names: c.1207G>A, p.Gly403Ser (NM_001271995.2); c.1204G>A, p.Gly402Ser (NM_001271996.2); c.*89G>A (NM_001271997.2); short protein forms G404S, G403S, G402S.
Identifiers: ClinVar variation 4700594 (VCV004700594.1).
Genomic context (GRCh38, chr19:4,171,793, plus strand): 5'-CCCCGACCCGAGGCTGACACAACCCGAGAAGAGTCTCCAGGAAGCCCCGGGGCAGACTGG[G>A]GCTTCCAGGACACCGCGAACCTGACCAATTCGACGGAGGAGCTGGACAACGCCACCCTGG-3'
Protein context (NP_115996.1, residues 394-414): ESPGSPGADW[Gly404Ser]FQDTANLTNS